The following is an entry in ClinVar:

NM_001365951.3(KIF1B):c.5210A>G (p.Lys1737Arg)

Gene: KIF1B (kinesin family member 1B; plus strand). Cytogenetic location: 1p36.22.
Variant type: single nucleotide variant.
Coding change: c.5210A>G on transcript NM_001365951.3 (MANE Select); coding-DNA position 5210, A replaced by G.
Protein change: p.Lys1737Arg; replaces lysine 1737 with arginine.
Molecular consequence: missense variant.
Genome position (GRCh38, 1-based): chr1:10,374,967, A>G. VCF-style: chr1-10374967-A-G. GRCh37 (hg19) VCF-style: chr1-10435025-A-G.
Other names: c.5210A>G, p.Lys1737Arg (NM_001365952.1); c.5072A>G, p.Lys1691Arg (NM_015074.3); short protein forms K1737R, K1691R.
Identifiers: ClinVar variation 1745161 (VCV001745161.5), dbSNP rs768636898, ClinGen allele CA582289.

ClinVar aggregate classification (germline): Conflicting classifications of pathogenicity. Review status: criteria provided, conflicting classifications (1 of 4 stars). 2 submissions from 2 submitters: Uncertain significance (1); Likely benign (1). Last evaluated 2024-11-24.

Conditions:
Charcot-Marie-Tooth disease type 2. Also called: Charcot-Marie-Tooth type 2. Identifiers: Orphanet 64746, MedGen C0270914, MONDO:0018993.

Allele frequency attached by ClinVar (database versions not stated): gnomAD exomes below 0.00001; TOPMed below 0.00001; ExAC 0.00001.
gnomAD v4.1: 4 of 1,614,116 alleles (0.00025%); highest among the groups gnomAD compares: Admixed American, 0.0017%; no homozygotes.

Submissions (2):

Labcorp Genetics (formerly Invitae), Labcorp
Classification: Uncertain significance for Charcot-Marie-Tooth disease type 2. Last evaluated: 2024-11-24. Review status: criteria provided, single submitter. Criteria: Invitae Variant Classification Sherloc (09022015). Collection method: clinical testing. Allele origin: germline.
Comment: This sequence change replaces lysine, which is basic and polar, with arginine, which is basic and polar, at codon 1691 of the KIF1B protein (p.Lys1691Arg). This variant is not present in population databases (gnomAD no frequency). This variant has not been reported in the literature in individuals affected with KIF1B-related conditions. ClinVar contains an entry for this variant (Variation ID: 1745161). An algorithm developed to predict the effect of missense changes on protein structure and function (PolyPhen-2) suggests that this variant is likely to be disruptive. In summary, the available evidence is currently insufficient to determine the role of this variant in disease. Therefore, it has been classified as a Variant of Uncertain Significance.

Ambry Genetics
Classification: Likely benign. Last evaluated: 2024-10-25. Review status: criteria provided, single submitter. Criteria: Ambry Variant Classification Scheme 2023. Collection method: clinical testing. Allele origin: germline.